The following is an entry in ClinVar:

NM_001377.3(DYNC2H1):c.8260C>T (p.Gln2754Ter)

Gene: DYNC2H1 (dynein cytoplasmic 2 heavy chain 1; plus strand). Cytogenetic location: 11q22.3.
Variant type: single nucleotide variant.
Coding change: c.8260C>T on transcript NM_001377.3 (MANE Select); coding-DNA position 8260, C replaced by T.
Protein change: p.Gln2754Ter; replaces glutamine 2754 with a stop codon.
Molecular consequence: nonsense.
Genome position (GRCh38, 1-based): chr11:103,203,725, C>T. VCF-style: chr11-103203725-C-T. GRCh37 (hg19) VCF-style: chr11-103074454-C-T.
Other names: c.8260C>T, p.Gln2754Ter (NM_001080463.2); short protein forms Q2754*.
Identifiers: ClinVar variation 5014058 (VCV005014058.1).
Genomic context (GRCh38, chr11:103,203,725, plus strand): 5'-GAAGTTCCTGGACTCTATACTCTTGAAGAATTAGAGCCCTTGCTGTTACCACTTAAGGAT[C>T]AAGCTTCACAAGATGGTTTTTTTGGACCAGTCTTCAATTACTTCACATATAGTAAGTGAC-3'

ClinVar aggregate classification (germline): Pathogenic (1 of 4 stars; one submission).

Conditions:
Asphyxiating thoracic dystrophy 3. Also called: Saldino-Noonan Syndrome; SHORT-RIB THORACIC DYSPLASIA 3 WITH OR WITHOUT POLYDACTYLY; POLYDACTYLY WITH NEONATAL CHONDRODYSTROPHY, TYPE I; SHORT-RIB THORACIC DYSPLASIA 3/6 WITH POLYDACTYLY, DIGENIC; Short rib polydactyly syndrome 2B. Identifiers: Orphanet 474, Orphanet 93269, Orphanet 93270, Orphanet 93271, MedGen C0036069, MONDO:0013127, OMIM 613091.

gnomAD v4.1: 2 of 1,612,274 alleles (0.00012%); no homozygotes.

Submission:

Myriad Genetics, Inc.
Classification: Pathogenic for Asphyxiating thoracic dystrophy 3. Last evaluated: 2025-02-05. Review status: criteria provided, single submitter. Criteria: Myriad Autosomal Dominant, Autosomal Recessive and X-Linked Classification Criteria (2023). Collection method: clinical testing. Allele origin: unknown.
Comment: NM_001377.2(DYNC2H1):c.8260C>T(Q2754*) is expected to be pathogenic in the context of DYNC2H1-related disorders. This variant is predicted to lead to an abnormal or absent protein product due to the creation of a premature termination codon in DYNC2H1, a gene where loss-of-function variants are known to be pathogenic. Please note: this variant was assessed in the context of healthy population screening.